The following is an entry in ClinVar:

NM_145064.3(STAC3):c.1022C>T (p.Ala341Val)

Gene: STAC3 (SH3 and cysteine rich domain 3; minus strand). Cytogenetic location: 12q13.3.
Variant type: single nucleotide variant.
Coding change: c.1022C>T on transcript NM_145064.3 (MANE Select); coding-DNA position 1022, C replaced by T.
Protein change: p.Ala341Val; replaces alanine 341 with valine.
Molecular consequence: missense variant. On other transcripts: non-coding transcript variant (1).
Genome position (GRCh38, 1-based): chr12:57,243,885, G>A on the plus strand (C>T on the coding strand, the complement: STAC3 is on the minus strand). VCF-style: chr12-57243885-G-A. GRCh37 (hg19) VCF-style: chr12-57637668-G-A.
Other names: c.1022C>T (NM_145064.1); c.905C>T, p.Ala302Val (NM_001286256.2); c.464C>T, p.Ala155Val (NM_001286257.2); short protein forms A341V, A155V, A302V.
Identifiers: ClinVar variation 851418 (VCV000851418.10), dbSNP rs753014378, ClinGen allele CA6646917.

ClinVar aggregate classification (germline): Uncertain significance. Review status: criteria provided, multiple submitters, no conflicts (2 of 4 stars). 3 submissions from 3 submitters: Uncertain significance (3). Last evaluated 2025-11-27.

Conditions:
Inborn genetic diseases. Identifiers: MedGen C0950123, MeSH D030342.
Bailey-Bloch congenital myopathy (CMYO13). Also called: Native American myopathy; Congenital myopathy 13; STAC3 disorder. Identifiers: Orphanet 168572, MedGen C1850625, MONDO:0009722, OMIM 255995.

Allele frequency attached by ClinVar (database versions not stated): ExAC 0.00002; gnomAD exomes 0.00002; TOPMed 0.00003; gnomAD 0.00004 and 0.00005.
gnomAD v4.1: 42 of 1,613,732 alleles (0.0026%); highest among the groups gnomAD compares: Middle Eastern, 0.016%; no homozygotes.

Submissions (3):

Labcorp Genetics (formerly Invitae), Labcorp
Classification: Uncertain significance for Bailey-Bloch congenital myopathy. Last evaluated: 2025-11-27. Review status: criteria provided, single submitter. Criteria: Invitae Variant Classification Sherloc (09022015). Collection method: clinical testing. Allele origin: germline.
Comment: This sequence change replaces alanine, which is neutral and non-polar, with valine, which is neutral and non-polar, at codon 341 of the STAC3 protein (p.Ala341Val). This variant is present in population databases (rs753014378, gnomAD 0.006%). This variant has not been reported in the literature in individuals affected with STAC3-related conditions. ClinVar contains an entry for this variant (Variation ID: 851418). Invitae Evidence Modeling of protein sequence and biophysical properties (such as structural, functional, and spatial information, amino acid conservation, physicochemical variation, residue mobility, and thermodynamic stability) indicates that this missense variant is not expected to disrupt STAC3 protein function with a negative predictive value of 80%. In summary, the available evidence is currently insufficient to determine the role of this variant in disease. Therefore, it has been classified as a Variant of Uncertain Significance.

Revvity Omics, Revvity
Classification: Uncertain significance for Bailey-Bloch congenital myopathy. Last evaluated: 2023-01-13. Review status: criteria provided, single submitter. Criteria: ACMG Guidelines, 2015. Collection method: clinical testing. Allele origin: germline.

Ambry Genetics
Classification: Uncertain significance for Inborn genetic diseases. Last evaluated: 2021-09-01. Review status: criteria provided, single submitter. Criteria: Ambry Variant Classification Scheme 2023. Collection method: clinical testing. Allele origin: germline.